The following is an entry in ClinVar:

NM_001267550.2(TTN):c.66283C>T (p.Arg22095Trp)

Genes: TTN (titin; minus strand), TTN-AS1 (TTN antisense RNA 1; plus strand). Cytogenetic location: 2q31.2.
Variant type: single nucleotide variant.
Coding change: c.66283C>T on transcript NM_001267550.2 (MANE Select); coding-DNA position 66283, C replaced by T.
Protein change: p.Arg22095Trp; replaces arginine 22095 with tryptophan.
Molecular consequence: missense variant.
Genome position (GRCh38, 1-based): chr2:178,582,086, G>A on the plus strand (C>T on the coding strand, the complement: TTN is on the minus strand). VCF-style: chr2-178582086-G-A. GRCh37 (hg19) VCF-style: chr2-179446813-G-A.
Other names: c.61360C>T, p.Arg20454Trp (NM_001256850.1); c.39088C>T, p.Arg13030Trp (NM_003319.4); c.58579C>T, p.Arg19527Trp (NM_133378.4); c.39463C>T, p.Arg13155Trp (NM_133432.3); c.39664C>T, p.Arg13222Trp (NM_133437.4); short protein forms R22095W, R19527W, R13155W, R13222W, R20454W, R13030W.
Identifiers: ClinVar variation 191136 (VCV000191136.13), dbSNP rs571093313, ClinGen allele CA236091.
Genomic context (GRCh38, chr2:178,582,086, plus strand): 5'-ATGTTCTTTCTATAATAGGTTTTCTGTTGACCTTAGTCCAGTTAACAGCCTGGGTTTCCC[G>A]CTTTTCAAGCAAATAGCCAGTGATGGGTGAGCCCCCATCATCTGCTGGTGGCTTCCAGCT-3'
Protein context (NP_001254479.2, residues 22085-22105): SPITGYLLEK[Arg22095Trp]ETQAVNWTKV

ClinVar aggregate classification (germline): Conflicting classifications of pathogenicity. Review status: criteria provided, conflicting classifications (1 of 4 stars). 11 submissions from 7 submitters: Uncertain significance (7); Benign (2); Likely benign (2). Last evaluated 2024-11-19.

Conditions:
Autosomal recessive limb-girdle muscular dystrophy type 2J (LGMDR10). Also called: Limb-girdle muscular dystrophy, type 2J; MUSCULAR DYSTROPHY, LIMB-GIRDLE, AUTOSOMAL RECESSIVE 10. Identifiers: Orphanet 140922, MedGen C1837342, MONDO:0012127, OMIM 608807.
Dilated cardiomyopathy 1G (CMD1G). Identifiers: Orphanet 154, MedGen C1858763, MONDO:0011400, OMIM 604145.
Tibial muscular dystrophy (TMD). Also called: Udd Distal Myopathy – Tibial Muscular Dystrophy; UDD MYOPATHY; Tibial muscular dystrophy, tardive. Identifiers: Orphanet 609, MedGen C1838244, MONDO:0010870, OMIM 600334.
Early-onset myopathy with fatal cardiomyopathy (CMYO5). Also called: CONGENITAL MYOPATHY 5 WITH CARDIOMYOPATHY; Salih Myopathy. Identifiers: Orphanet 289377, MedGen C2673677, MONDO:0012714, OMIM 611705. Disease mechanism: loss of function.
Myopathy, myofibrillar, 9, with early respiratory failure (MFM9). Also called: EDSTROM MYOPATHY; Hereditary myopathy with early respiratory failure; MYOPATHY, PROXIMAL, WITH EARLY RESPIRATORY MUSCLE INVOLVEMENT; Myopathy, distal, with early respiratory failure, autosomal dominant. Identifiers: Orphanet 178464, Orphanet 34521, MedGen C1863599, MONDO:0011362, OMIM 603689.
Primary dilated cardiomyopathy (DCM). Also called: Dilated Cardiomyopathy. Identifiers: Orphanet 217604, MedGen C0007193, MeSH D002311, MONDO:0005021, HP:0001644. Inheritance: Various modes of inheritance.

Allele frequency attached by ClinVar (database versions not stated): gnomAD 0.00001 and 0.00003; gnomAD exomes 0.00002 and 0.00007; TOPMed 0.00002; ExAC 0.00005; 1000 Genomes Project 30x 0.00016; 1000 Genomes Project 0.00020.
gnomAD v4.1: 41 of 1,612,958 alleles (0.0025%); highest among the groups gnomAD compares: Middle Eastern, 0.2%; no homozygotes.

Submissions (11):

Women's Health and Genetics/Laboratory Corporation of America, LabCorp
Classification: Uncertain significance. Last evaluated: 2024-11-19. Review status: criteria provided, single submitter. Criteria: LabCorp Variant Classification Summary - May 2015. Collection method: clinical testing. Allele origin: germline.
Comment: Variant summary: TTN c.58579C>T (p.Arg19527Trp) results in a non-conservative amino acid change in the encoded protein sequence. Three of four in-silico tools predict a damaging effect of the variant on protein function. The variant allele was found at a frequency of 6.9e-05 in 247916 control chromosomes. This frequency is not significantly higher than estimated for a pathogenic variant in TTN causing Autosomal Recessive Titinopathy (6.9e-05 vs 0.00039), allowing no conclusion about variant significance. To our knowledge, no occurrence of c.58579C>T in individuals affected with Autosomal Recessive Titinopathy and no experimental evidence demonstrating its impact on protein function have been reported. ClinVar contains an entry for this variant (Variation ID: 191136). Based on the evidence outlined above, the variant was classified as uncertain significance.

Revvity Omics, Revvity
Classification: Uncertain significance. Last evaluated: 2024-08-30. Review status: criteria provided, single submitter. Criteria: ACMG Guidelines, 2015. Collection method: clinical testing. Allele origin: germline.

Blueprint Genetics
Classification: Likely benign. Last evaluated: 2022-12-01. Review status: criteria provided, single submitter. Criteria: ACMG Guidelines, 2015. Collection method: clinical testing. Allele origin: germline.

Illumina Laboratory Services, Illumina
Classification: Uncertain significance for Autosomal recessive limb-girdle muscular dystrophy type 2J. Last evaluated: 2018-01-13. Review status: criteria provided, single submitter. Criteria: ICSL Variant Classification Criteria 13 December 2019. Collection method: clinical testing. Allele origin: germline.

Illumina Laboratory Services, Illumina
Classification: Uncertain significance for Early-onset myopathy with fatal cardiomyopathy. Last evaluated: 2018-01-13. Review status: criteria provided, single submitter. Criteria: ICSL Variant Classification Criteria 13 December 2019. Collection method: clinical testing. Allele origin: germline.

Illumina Laboratory Services, Illumina
Classification: Uncertain significance for Dilated cardiomyopathy 1G. Last evaluated: 2018-01-13. Review status: criteria provided, single submitter. Criteria: ICSL Variant Classification Criteria 13 December 2019. Collection method: clinical testing. Allele origin: germline.

Illumina Laboratory Services, Illumina
Classification: Benign for Tibial muscular dystrophy. Last evaluated: 2018-01-13. Review status: criteria provided, single submitter. Criteria: ICSL Variant Classification Criteria 13 December 2019. Collection method: clinical testing. Allele origin: germline.
Comment: This variant was observed in the ICSL laboratory as part of a predisposition screen in an ostensibly healthy population. It had not been previously curated by ICSL or reported in the Human Gene Mutation Database (HGMD: prior to June 1st, 2018), and was therefore a candidate for classification through an automated scoring system. Utilizing variant allele frequency, disease prevalence and penetrance estimates, and inheritance mode, an automated score was calculated to assess if this variant is too frequent to cause the disease. Based on the score and internal cut-off values, a variant classified as benign is not then subjected to further curation. The score for this variant resulted in a classification of benign for this disease.

Illumina Laboratory Services, Illumina
Classification: Benign for Myopathy, myofibrillar, 9, with early respiratory failure. Last evaluated: 2018-01-13. Review status: criteria provided, single submitter. Criteria: ICSL Variant Classification Criteria 13 December 2019. Collection method: clinical testing. Allele origin: germline.
Comment: the same text as in the submission from Illumina Laboratory Services, Illumina above.

Labcorp Genetics (formerly Invitae), Labcorp
Classification: Uncertain significance for Dilated cardiomyopathy 1G; Autosomal recessive limb-girdle muscular dystrophy type 2J. Last evaluated: 2017-06-23. Review status: criteria provided, single submitter. Criteria: Invitae Variant Classification Sherloc (09022015). Collection method: clinical testing. Allele origin: germline.

Genomic Medicine Center of Excellence, King Faisal Specialist Hospital and Research Centre
Classification: Likely benign. Last evaluated: 2016-09-28. Review status: criteria provided, single submitter. Criteria: ACMG Guidelines, 2015. Collection method: research. Allele origin: germline. Affected: yes.

Genetics and Genomics Program, Sidra Medicine
Classification: Uncertain significance for Primary dilated cardiomyopathy. Review status: criteria provided, single submitter. Criteria: ACMG Guidelines, 2015. Collection method: research. Allele origin: unknown. Affected: yes. Observed: 1 variant allele.